The following is an entry in ClinVar:

NM_032581.4(HYCC1):c.1313G>A (p.Ser438Asn)

Gene: HYCC1 (hyccin PI4KA lipid kinase complex subunit 1; minus strand). Cytogenetic location: 7p15.3.
Variant type: single nucleotide variant.
Coding change: c.1313G>A on transcript NM_032581.4 (MANE Select); coding-DNA position 1313, G replaced by A.
Protein change: p.Ser438Asn; replaces serine 438 with asparagine.
Molecular consequence: missense variant. On other transcripts: 3 prime UTR variant (2).
Genome position (GRCh38, 1-based): chr7:22,945,842, C>T on the plus strand (G>A on the coding strand, the complement: HYCC1 is on the minus strand). VCF-style: chr7-22945842-C-T. GRCh37 (hg19) VCF-style: chr7-22985461-C-T.
Other names: c.*349G>A (NM_001363466.2); c.*307G>A (NM_001363467.2); short protein forms S438N.
Identifiers: ClinVar variation 2196790 (VCV002196790.1), dbSNP rs2534333703, ClinGen allele CA366969987.

ClinVar aggregate classification (germline): Uncertain significance (1 of 4 stars; one submission).

Conditions:
Hypomyelination and Congenital Cataract (HLD5). Also called: hypomyelinating leukodystrophy 5. Identifiers: Orphanet 85163, MedGen C1864663, MONDO:0012514, OMIM 610532.

Submission:

Labcorp Genetics (formerly Invitae), Labcorp
Classification: Uncertain significance for Hypomyelination and Congenital Cataract. Last evaluated: 2022-08-03. Review status: criteria provided, single submitter. Criteria: Invitae Variant Classification Sherloc (09022015). Collection method: clinical testing. Allele origin: germline.
Comment: This sequence change replaces serine, which is neutral and polar, with asparagine, which is neutral and polar, at codon 438 of the FAM126A protein (p.Ser438Asn). This variant is not present in population databases (gnomAD no frequency). This variant has not been reported in the literature in individuals affected with FAM126A-related conditions. Algorithms developed to predict the effect of missense changes on protein structure and function output the following: SIFT: "Tolerated"; PolyPhen-2: "Benign"; Align-GVGD: "Class C0". The asparagine amino acid residue is found in multiple mammalian species, which suggests that this missense change does not adversely affect protein function. In summary, the available evidence is currently insufficient to determine the role of this variant in disease. Therefore, it has been classified as a Variant of Uncertain Significance.